The following is an entry in ClinVar:

ClinVar aggregate classification (germline): Uncertain significance. Review status: criteria provided, multiple submitters, no conflicts (2 of 4 stars). 3 submissions from 3 submitters: Uncertain significance (2). 1 of the submissions does not count toward it. Last evaluated 2025-08-22.

Conditions:
Zellweger spectrum disorders (ZS). Also called: Zellweger syndrome; Zellweger Spectrum Disorder; Zellweger Spectrum; Zellweger Spectrum Disorder (ZSD). Identifiers: Orphanet 912, MedGen C0043459, MONDO:0019609.
Inborn genetic diseases. Identifiers: MedGen C0950123, MeSH D030342.

Allele frequency attached by ClinVar (database versions not stated): gnomAD exomes below 0.00001; TOPMed 0.00002.
gnomAD v4.1: 1 of 1,613,584 alleles (0.000062%); highest among the groups gnomAD compares: Non-Finnish European, 0.000085%; no homozygotes.

Submissions (3):

Ambry Genetics
Classification: Uncertain significance for Inborn genetic diseases. Last evaluated: 2025-08-22. Review status: criteria provided, single submitter. Criteria: Ambry Variant Classification Scheme 2023. Collection method: clinical testing. Allele origin: germline.

Labcorp Genetics (formerly Invitae), Labcorp
Classification: Uncertain significance for Zellweger spectrum disorders. Last evaluated: 2021-08-24. Review status: criteria provided, single submitter. Criteria: Invitae Variant Classification Sherloc (09022015). Collection method: clinical testing. Allele origin: germline.
Comment: This sequence change replaces glutamine with histidine at codon 715 of the PEX1 protein (p.Gln715His). The glutamine residue is weakly conserved and there is a small physicochemical difference between glutamine and histidine. This variant is not present in population databases (ExAC no frequency). This variant has not been reported in the literature in individuals affected with PEX1-related conditions. Algorithms developed to predict the effect of missense changes on protein structure and function output the following: SIFT: "Tolerated"; PolyPhen-2: "Benign"; Align-GVGD: "Class C0". The histidine amino acid residue is found in multiple mammalian species, which suggests that this missense change does not adversely affect protein function. In summary, the available evidence is currently insufficient to determine the role of this variant in disease. Therefore, it has been classified as a Variant of Uncertain Significance.

Natera, Inc.
Classification: Uncertain significance for Zellweger syndrome. Last evaluated: 2021-08-29. Review status: no assertion criteria provided. Collection method: clinical testing. Allele origin: germline. Not counted in ClinVar's aggregate classification.

NM_000466.3(PEX1):c.2145G>T (p.Gln715His)

Gene: PEX1 (peroxisomal biogenesis factor 1; minus strand). Cytogenetic location: 7q21.2.
Variant type: single nucleotide variant.
Coding change: c.2145G>T on transcript NM_000466.3 (MANE Select); coding-DNA position 2145, G replaced by T.
Protein change: p.Gln715His; replaces glutamine 715 with histidine.
Molecular consequence: missense variant.
Genome position (GRCh38, 1-based): chr7:92,503,122, C>A on the plus strand (G>T on the coding strand, the complement: PEX1 is on the minus strand). VCF-style: chr7-92503122-C-A. GRCh37 (hg19) VCF-style: chr7-92132436-C-A.
Other names: c.2145G>T (NM_000466.2); c.1974G>T, p.Gln658His (NM_001282677.2); c.1521G>T, p.Gln507His (NM_001282678.2); short protein forms Q507H, Q658H, Q715H.
Identifiers: ClinVar variation 1001665 (VCV001001665.11), dbSNP rs1292385792, ClinGen allele CA368181699.